The following is an entry in ClinVar:

ClinVar aggregate classification (germline): Uncertain significance (1 of 4 stars; one submission).

Conditions:
Bardet-Biedl syndrome 20. Identifiers: MedGen C4310707, MONDO:0023670, OMIM 619471, MONDO:0014926.
Retinitis pigmentosa 71 (RP71). Identifiers: Orphanet 791, MedGen C4225342, MONDO:0014618, OMIM 616394.
Short-rib thoracic dysplasia 10 with or without polydactyly (SRTD10). Identifiers: Orphanet 474, MedGen C3810175, MONDO:0014284, OMIM 615630.

Submission:

Juno Genomics, Hangzhou Juno Genomics, Inc
Classification: Uncertain significance for Bardet-Biedl syndrome 20; Retinitis pigmentosa 71; Short-rib thoracic dysplasia 10 with or without polydactyly. Review status: criteria provided, single submitter. Criteria: ACMG Guidelines, 2015. Collection method: clinical testing. Allele origin: germline.
Comment: Absent from controls (or at extremely low frequency if recessive) in Genome Aggregation Database.;Multiple lines of computational evidence support a deleterious effect on the gene or gene product.

NM_015662.3(IFT172):c.2787+4A>G

Genes: IFT172 (intraflagellar transport 172; minus strand), LOC126806174 (CDK7 strongly-dependent group 2 enhancer GRCh37_chr2:27681686-27682885; plus strand). Cytogenetic location: 2p23.3.
Variant type: single nucleotide variant.
Coding change: c.2787+4A>G on transcript NM_015662.3 (MANE Select); 4 bases into the intron after coding-DNA position 2787, A replaced by G.
Molecular consequence: intron variant.
Genome position (GRCh38, 1-based): chr2:27,459,374, T>C on the plus strand (A>G on the coding strand, the complement: IFT172 is on the minus strand). VCF-style: chr2-27459374-T-C. GRCh37 (hg19) VCF-style: chr2-27682241-T-C.
Other names: c.2721+4A>G (NM_001410739.1).
Identifiers: ClinVar variation 5006282 (VCV005006282.2).